The following is an entry in ClinVar:

ClinVar aggregate classification (germline): Uncertain significance (1 of 4 stars; one submission).

Conditions:
Arrhythmogenic right ventricular dysplasia 11. Also called: Arrhythmogenic right ventricular dysplasia 11 with mild palmoplantar keratoderma and woolly hair; Arrhythmogenic Right Ventricular Dysplasia/Cardiomyopathy11; ARRHYTHMOGENIC RIGHT VENTRICULAR DYSPLASIA, FAMILIAL, 11. Identifiers: MedGen C1864850, MONDO:0012506, OMIM 610476.

Submission:

Labcorp Genetics (formerly Invitae), Labcorp
Classification: Uncertain significance for Arrhythmogenic right ventricular dysplasia 11. Last evaluated: 2022-09-03. Review status: criteria provided, single submitter. Criteria: Invitae Variant Classification Sherloc (09022015). Collection method: clinical testing. Allele origin: germline.
Comment: This variant has not been reported in the literature in individuals affected with DSC2-related conditions. This variant is not present in population databases (gnomAD no frequency). This sequence change replaces arginine, which is basic and polar, with leucine, which is neutral and non-polar, at codon 875 of the DSC2 protein (p.Arg875Leu). In summary, the available evidence is currently insufficient to determine the role of this variant in disease. Therefore, it has been classified as a Variant of Uncertain Significance. Algorithms developed to predict the effect of missense changes on protein structure and function output the following: SIFT: "Tolerated"; PolyPhen-2: "Benign"; Align-GVGD: "Class C0". The leucine amino acid residue is found in multiple mammalian species, which suggests that this missense change does not adversely affect protein function.

NM_024422.6(DSC2):c.2624G>T (p.Arg875Leu)

Gene: DSC2 (desmocollin 2; minus strand). Cytogenetic location: 18q12.1.
Variant type: single nucleotide variant.
Coding change: c.2624G>T on transcript NM_024422.6 (MANE Select); coding-DNA position 2624, G replaced by T.
Protein change: p.Arg875Leu; replaces arginine 875 with leucine.
Molecular consequence: missense variant. On other transcripts: 3 prime UTR variant (1).
Genome position (GRCh38, 1-based): chr18:31,068,097, C>A on the plus strand (G>T on the coding strand, the complement: DSC2 is on the minus strand). VCF-style: chr18-31068097-C-A. GRCh37 (hg19) VCF-style: chr18-28648063-C-A.
Other names: c.2195G>T, p.Arg732Leu (NM_001406506.1); c.*126G>T (NM_001406507.1, NM_004949.5); short protein forms R875L, R732L.
Identifiers: ClinVar variation 2099435 (VCV002099435.4), dbSNP rs535014010, ClinGen allele CA402110318.